The following is an entry in ClinVar:

NM_133261.3(GIPC3):c.764T>G (p.Met255Arg)

Gene: GIPC3 (GIPC PDZ domain containing family member 3; plus strand). Cytogenetic location: 19p13.3.
Variant type: single nucleotide variant.
Coding change: c.764T>G on transcript NM_133261.3 (MANE Select); coding-DNA position 764, T replaced by G.
Protein change: p.Met255Arg; replaces methionine 255 with arginine.
Molecular consequence: missense variant.
Genome position (GRCh38, 1-based): chr19:3,589,889, T>G. VCF-style: chr19-3589889-T-G. GRCh37 (hg19) VCF-style: chr19-3589887-T-G.
Other names: short protein forms M255R.
Identifiers: ClinVar variation 1306338 (VCV001306338.2), dbSNP rs2032449513, ClinGen allele CA403364660.

ClinVar aggregate classification (germline): Uncertain significance (1 of 4 stars; one submission).

Submission:

GeneDx
Classification: Uncertain significance. Last evaluated: 2019-02-26. Review status: criteria provided, single submitter. Criteria: GeneDx Variant Classification Process June 2021. Collection method: clinical testing. Allele origin: germline. Affected: yes.
Comment: Not observed in large population cohorts (Lek et al., 2016); In silico analysis, which includes protein predictors and evolutionary conservation, supports a deleterious effect; Has not been previously published as pathogenic or benign to our knowledge